The following is an entry in ClinVar:

ClinVar aggregate classification (germline): Uncertain significance (1 of 4 stars; one submission).

Conditions:
Hyperkalemic periodic paralysis. Also called: Familial hyperkalemic periodic paralysis; Gamstorp disease. Identifiers: Orphanet 682, MedGen C0238357, MONDO:0008224, OMIM 170500, HP:0007215.

Allele frequency attached by ClinVar (database versions not stated): gnomAD 0.00001; TOPMed 0.00002.
gnomAD v4.1: 1 of 1,613,900 alleles (0.000062%); highest among the groups gnomAD compares: African/African-American, 0.0013%; no homozygotes.

Submission:

Labcorp Genetics (formerly Invitae), Labcorp
Classification: Uncertain significance for Hyperkalemic periodic paralysis. Last evaluated: 2024-04-16. Review status: criteria provided, single submitter. Criteria: Invitae Variant Classification Sherloc (09022015). Collection method: clinical testing. Allele origin: germline.
Comment: This sequence change replaces leucine, which is neutral and non-polar, with proline, which is neutral and non-polar, at codon 1557 of the SCN4A protein (p.Leu1557Pro). This variant is not present in population databases (gnomAD no frequency). This variant has not been reported in the literature in individuals affected with SCN4A-related conditions. ClinVar contains an entry for this variant (Variation ID: 1470380). Advanced modeling of protein sequence and biophysical properties (such as structural, functional, and spatial information, amino acid conservation, physicochemical variation, residue mobility, and thermodynamic stability) performed at Invitae indicates that this missense variant is not expected to disrupt SCN4A protein function with a negative predictive value of 95%. In summary, the available evidence is currently insufficient to determine the role of this variant in disease. Therefore, it has been classified as a Variant of Uncertain Significance.

NM_000334.4(SCN4A):c.4670T>C (p.Leu1557Pro)

Genes: SCN4A (sodium voltage-gated channel alpha subunit 4; minus strand), GH-LCR (growth hormone locus control region; plus strand). Cytogenetic location: 17q23.3.
Variant type: single nucleotide variant.
Coding change: c.4670T>C on transcript NM_000334.4 (MANE Select); coding-DNA position 4670, T replaced by C.
Protein change: p.Leu1557Pro; replaces leucine 1557 with proline.
Molecular consequence: missense variant.
Genome position (GRCh38, 1-based): chr17:63,941,612, A>G on the plus strand (T>C on the coding strand, the complement: SCN4A is on the minus strand). VCF-style: chr17-63941612-A-G. GRCh37 (hg19) VCF-style: chr17-62018972-A-G.
Other names: short protein forms L1557P.
Identifiers: ClinVar variation 1470380 (VCV001470380.8), dbSNP rs1237471647, ClinGen allele CA400615514.